The following is an entry in ClinVar:

ClinVar aggregate classification (germline): Uncertain significance (1 of 4 stars; one submission).

Allele frequency attached by ClinVar (database versions not stated): gnomAD exomes below 0.00001; TOPMed below 0.00001; ExAC 0.00001; gnomAD 0.00001; ESP Exome Variant Server 0.00008.
gnomAD v4.1: 2 of 1,614,118 alleles (0.00012%); highest among the groups gnomAD compares: Non-Finnish European, 0.00017%; no homozygotes.

Submission:

Labcorp Genetics (formerly Invitae), Labcorp
Classification: Uncertain significance. Last evaluated: 2022-05-21. Review status: criteria provided, single submitter. Criteria: Invitae Variant Classification Sherloc (09022015). Collection method: clinical testing. Allele origin: germline.
Comment: This variant is not present in population databases (gnomAD no frequency). In summary, the available evidence is currently insufficient to determine the role of this variant in disease. Therefore, it has been classified as a Variant of Uncertain Significance. Algorithms developed to predict the effect of missense changes on protein structure and function are either unavailable or do not agree on the potential impact of this missense change (SIFT: "Deleterious"; PolyPhen-2: "Benign"; Align-GVGD: "Class C15"). This variant has not been reported in the literature in individuals affected with CACNA1D-related conditions. This sequence change replaces glutamic acid, which is acidic and polar, with lysine, which is basic and polar, at codon 453 of the CACNA1D protein (p.Glu453Lys).

NM_001128840.3(CACNA1D):c.1357G>A (p.Glu453Lys)

Gene: CACNA1D (calcium voltage-gated channel subunit alpha1 D; plus strand). Cytogenetic location: 3p21.1.
Variant type: single nucleotide variant.
Coding change: c.1357G>A on transcript NM_001128840.3 (MANE Select); coding-DNA position 1357, G replaced by A.
Protein change: p.Glu453Lys; replaces glutamic acid 453 with lysine.
Molecular consequence: missense variant.
Genome position (GRCh38, 1-based): chr3:53,702,777, G>A. VCF-style: chr3-53702777-G-A. GRCh37 (hg19) VCF-style: chr3-53736804-G-A.
Other names: c.1357G>A, p.Glu453Lys (NM_000720.4, NM_001128839.3); short protein forms E453K.
Identifiers: ClinVar variation 1948164 (VCV001948164.5), dbSNP rs144043430, ClinGen allele CA2453896.
Genomic context (GRCh38, chr3:53,702,777, plus strand): 5'-GAGGATCTAAAGGGCTACTTGGATTGGATCACCCAAGCTGAGGACATCGATCCGGAGAAT[G>A]AGGAAGAAGGAGGAGAGGAAGGCAAACGAAATAGTATGTAGCGCCTTTCCTGCCCCTGGC-3'
Protein context (NP_001122312.1, residues 443-463): TQAEDIDPEN[Glu453Lys]EEGGEEGKRN